The following is an entry in ClinVar:

NM_001242896.3(DEPDC5):c.59-3C>G

Gene: DEPDC5 (DEP domain containing 5, GATOR1 subcomplex subunit; plus strand). Cytogenetic location: 22q12.2.
Variant type: single nucleotide variant.
Coding change: c.59-3C>G on transcript NM_001242896.3 (MANE Select); 3 bases into the intron before coding-DNA position 59, C replaced by G.
Molecular consequence: intron variant.
Genome position (GRCh38, 1-based): chr22:31,758,543, C>G. VCF-style: chr22-31758543-C-G. GRCh37 (hg19) VCF-style: chr22-32154529-C-G.
Other names: c.59-3C>G (NM_001364318.2, NM_001136029.4, NM_014662.6 and 9 more transcripts).
Identifiers: ClinVar variation 422704 (VCV000422704.6), dbSNP rs1064795947, ClinGen allele CA16621099.

ClinVar aggregate classification (germline): Uncertain significance. Review status: criteria provided, multiple submitters, no conflicts (2 of 4 stars). 2 submissions from 2 submitters: Uncertain significance (2). Last evaluated 2022-07-14.

Conditions:
Familial focal epilepsy with variable foci (FPEVF). Identifiers: Orphanet 98820, MedGen C1858477, MONDO:0020310.

Submissions (2):

Labcorp Genetics (formerly Invitae), Labcorp
Classification: Uncertain significance for Familial focal epilepsy with variable foci. Last evaluated: 2022-07-14. Review status: criteria provided, single submitter. Criteria: Invitae Variant Classification Sherloc (09022015). Collection method: clinical testing. Allele origin: germline.
Comment: This variant is not present in population databases (gnomAD no frequency). This sequence change falls in intron 2 of the DEPDC5 gene. It does not directly change the encoded amino acid sequence of the DEPDC5 protein. It affects a nucleotide within the consensus splice site. This variant has not been reported in the literature in individuals affected with DEPDC5-related conditions. ClinVar contains an entry for this variant (Variation ID: 422704). Variants that disrupt the consensus splice site are a relatively common cause of aberrant splicing (PMID: 17576681, 9536098). Algorithms developed to predict the effect of sequence changes on RNA splicing suggest that this variant may disrupt the consensus splice site. In summary, the available evidence is currently insufficient to determine the role of this variant in disease. Therefore, it has been classified as a Variant of Uncertain Significance.

GeneDx
Classification: Uncertain significance. Last evaluated: 2016-11-18. Review status: criteria provided, single submitter. Criteria: GeneDx Variant Classification (06012015). Collection method: clinical testing. Allele origin: germline. Affected: yes.
Comment: The c.59-3C>G variant in the DEPDC5 gene has not been reported previously as a pathogenic variant nor as a benign variant, to our knowledge. This variant reduces the quality of the splice acceptor site in intron 2, and may cause abnormal gene splicing. The c.59-3C>G variant was not observed in approximately 6100 individuals of European and African American ancestry in the NHLBI Exome Sequencing Project, indicating it is not a common benign variant in these populations. We interpret c.59-3C>G as a variant of uncertain significance.

Literature cited by the submitters: PubMed 17576681 (cited by Labcorp Genetics (formerly Invitae), Labcorp); PubMed 9536098 (cited by Labcorp Genetics (formerly Invitae), Labcorp).